The following is an entry in ClinVar:

ClinVar aggregate classification (germline): Pathogenic. Review status: reviewed by expert panel (3 of 4 stars). 5 submissions from 5 submitters: Pathogenic (1). 4 of the submissions do not count toward it. Last evaluated 2016-09-08.

Conditions:
Inherited breast cancer and ovarian cancer.
Hereditary breast ovarian cancer syndrome. Also called: Hereditary breast and ovarian cancer syndrome (HBOC); Hereditary breast and ovarian cancer syndrome; Hereditary breast and ovarian cancer; Hereditary breast and/or ovarian cancer syndrome; Breast and ovarian cancer; BRCA1- and BRCA2-Associated Hereditary Breast and Ovarian Cancer. Identifiers: Orphanet 145, MedGen C0677776, MeSH D061325, MONDO:0003582. Disease mechanism: loss of function.
Breast-ovarian cancer, familial, susceptibility to, 1 (BROVCA1). Also called: OVARIAN CANCER, SUSCEPTIBILITY TO; BRCA1 Hereditary Breast and Ovarian Cancer. Identifiers: Orphanet 145, MedGen C2676676, MONDO:0011450, OMIM 604370. Disease mechanism: loss of function.

Submissions (5):

Evidence-based Network for the Interpretation of Germline Mutant Alleles (ENIGMA)
Classification: Pathogenic for Breast-ovarian cancer, familial, susceptibility to, 1. Last evaluated: 2016-09-08. Review status: reviewed by expert panel. Criteria: ENIGMA BRCA1/2 Classification Criteria (2015). Collection method: curation. Allele origin: germline.
Comment: Variant allele predicted to encode a truncated non-functional protein.

Genetics Laboratory, Great Ormond Street Hospital NHS Foundation Trust, North Thames Genomic Laboratory Hub
Classification: Pathogenic for Inherited breast cancer and ovarian cancer. Last evaluated: 2026-08-06. Review status: criteria provided, single submitter. Criteria: CanVIG BRCA Gene Specific V1.22. Collection method: clinical testing. Allele origin: germline. Affected: yes. Not counted in ClinVar's aggregate classification.
Comment: PM2_moderate, PVS1_very-strong, PM5_strong

Consortium of Investigators of Modifiers of BRCA1/2 (CIMBA), c/o University of Cambridge
Classification: Pathogenic for Breast-ovarian cancer, familial, susceptibility to, 1. Last evaluated: 2015-10-02. Review status: criteria provided, single submitter. Criteria: CIMBA Mutation Classification guidelines May 2016. Collection method: clinical testing. Allele origin: germline. Not counted in ClinVar's aggregate classification.

Research Molecular Genetics Laboratory, Women's College Hospital, University of Toronto
Classification: Pathogenic for Hereditary breast ovarian cancer syndrome. Last evaluated: 2014-01-31. Review status: no assertion criteria provided. Collection method: research. Allele origin: germline. Affected: yes. Study: The Canadian Open Genetics Repository (COGR). Not counted in ClinVar's aggregate classification.

Breast Cancer Information Core (BIC) (BRCA1)
Classification: Pathogenic for Breast-ovarian cancer, familial 1. Last evaluated: 2002-05-29. Review status: no assertion criteria provided. Collection method: clinical testing. Allele origin: germline. Affected: yes. Observed: 2 variant alleles. Not counted in ClinVar's aggregate classification.

NM_007294.4(BRCA1):c.1649del (p.Asn550fs)

Gene: BRCA1 (BRCA1 DNA repair associated; minus strand). Cytogenetic location: 17q21.31.
Variant type: Deletion.
Coding change: c.1649del on transcript NM_007294.4 (MANE Select); coding-DNA position 1649, one base deleted (A; older notation c.1649delA).
Protein change: p.Asn550fs; shifts the reading frame from asparagine 550.
Molecular consequence: frameshift variant. On other transcripts: intron variant (137).
Genome position (GRCh38, 1-based): chr17:43,093,882, T deleted on the plus strand (A on the coding strand, the reverse complement: BRCA1 is on the minus strand); the first of 2 consecutive T bases (chr17:43,093,882-43,093,883); deleting either gives the same sequence. VCF-style (leftmost placement, unchanged base first): chr17-43093881-AT-A. GRCh37 (hg19) VCF-style: chr17-41245898-AT-A.
Other names: 1768delA; c.1649delA (NM_007294.3); c.1508del, p.Asn503fs (NM_001407698.1, NM_001407724.1, NM_001407725.1 and 29 more transcripts); c.1505del, p.Asn502fs (NM_001407740.1, NM_001407741.1, NM_001407742.1 and 20 more transcripts); c.1436del, p.Asn479fs (NM_001407853.1, NM_001407894.1, NM_001407895.1 and 9 more transcripts); c.1649del, p.Asn550fs (NM_001407854.1, NM_001407858.1, NM_001407859.1 and 30 more transcripts); c.1646del, p.Asn549fs (NM_001407860.1, NM_001407861.1, NM_001407587.1 and 22 more transcripts); c.1448del, p.Asn483fs (NM_001407862.1); and 42 more; short protein forms N550fs, N503fs, N382fs, N422fs, N439fs, N479fs, N482fs, N483fs.
Identifiers: ClinVar variation 54318 (VCV000054318.6), dbSNP rs80357619, ClinGen allele CA001091.